The following is an entry in ClinVar:

ClinVar aggregate classification (germline): Conflicting classifications of pathogenicity. Review status: criteria provided, conflicting classifications (1 of 4 stars). 3 submissions from 3 submitters: Uncertain significance (1); Likely benign (2). Last evaluated 2025-11-09.

Conditions:
USH2A-related disorder. Also called: USH2A-related condition; USH2A-related disorders. Identifiers: MedGen CN239332.
Inborn genetic diseases. Identifiers: MedGen C0950123, MeSH D030342.

Allele frequency attached by ClinVar (database versions not stated): gnomAD 0.00004; TOPMed 0.00006.
gnomAD v4.1: 36 of 1,614,166 alleles (0.0022%); highest among the groups gnomAD compares: Admixed American, 0.0083%; no homozygotes.

Submissions (3):

Labcorp Genetics (formerly Invitae), Labcorp
Classification: Likely benign. Last evaluated: 2025-11-09. Review status: criteria provided, single submitter. Criteria: Invitae Variant Classification Sherloc (09022015). Collection method: clinical testing. Allele origin: germline.

Ambry Genetics
Classification: Likely benign for Inborn genetic diseases. Last evaluated: 2025-10-24. Review status: criteria provided, single submitter. Criteria: Ambry Variant Classification Scheme 2023. Collection method: clinical testing. Allele origin: germline.

PreventionGenetics, part of Exact Sciences
Classification: Uncertain significance for USH2A-related condition. Last evaluated: 2025-05-30. Review status: criteria provided, single submitter. Criteria: ACMG Guidelines, 2015. Collection method: clinical testing. Allele origin: germline.
Comment: The USH2A c.8789A>G variant is predicted to result in the amino acid substitution p.Asn2930Ser. To our knowledge, this variant has not been reported in the literature. This variant is reported in 0.012% of alleles in individuals of Latino descent in gnomAD. At this time, the clinical significance of this variant is uncertain due to the absence of conclusive functional and genetic evidence.

NM_206933.4(USH2A):c.8789A>G (p.Asn2930Ser)

Gene: USH2A (usherin; minus strand). Cytogenetic location: 1q41.
Variant type: single nucleotide variant.
Coding change: c.8789A>G on transcript NM_206933.4 (MANE Select); coding-DNA position 8789, A replaced by G.
Protein change: p.Asn2930Ser; replaces asparagine 2930 with serine.
Molecular consequence: missense variant.
Genome position (GRCh38, 1-based): chr1:215,867,063, T>C on the plus strand (A>G on the coding strand, the complement: USH2A is on the minus strand). VCF-style: chr1-215867063-T-C. GRCh37 (hg19) VCF-style: chr1-216040405-T-C.
Other names: c.8789A>G (NM_206933.2); short protein forms N2930S.
Identifiers: ClinVar variation 1160787 (VCV001160787.11), dbSNP rs778607993, ClinGen allele CA1394506.